The following is an entry in ClinVar:

NM_000531.6(OTC):c.563G>T (p.Gly188Val)

Gene: OTC (ornithine transcarbamylase; plus strand). Cytogenetic location: Xp11.4.
Variant type: single nucleotide variant.
Coding change: c.563G>T on transcript NM_000531.6 (MANE Select); coding-DNA position 563, G replaced by T.
Protein change: p.Gly188Val; replaces glycine 188 with valine.
Molecular consequence: missense variant.
Genome position (GRCh38, 1-based): chrX:38,403,640, G>T. VCF-style: chrX-38403640-G-T. GRCh37 (hg19) VCF-style: chrX-38262893-G-T.
Other names: short protein forms G188V.
Identifiers: ClinVar variation 97249 (VCV000097249.3), dbSNP rs72556295, ClinGen allele CA224681.
Genomic context (GRCh38, chrX:38,403,640, plus strand): 5'-ACGCCTGGATTTCATCTCCTTCATCCCGTGCCTTTTAGGAACACTATAGCTCTCTGAAAG[G>T]TCTTACCCTCAGCTGGATCGGGGATGGGAACAATATCCTGCACTCCATCATGATGAGCGC-3'
Protein context (NP_000522.3, residues 178-198): TLQEHYSSLK[Gly188Val]LTLSWIGDGN

ClinVar aggregate classification (germline): Likely pathogenic. Review status: criteria provided, single submitter (1 of 4 stars). 2 submissions from 2 submitters: Likely pathogenic (1). 1 of the submissions does not count toward it. Last evaluated 2024-09-05.

Conditions:
Ornithine carbamoyltransferase deficiency (OTCD). Also called: ORNITHINE TRANSCARBAMYLASE DEFICIENCY, HYPERAMMONEMIA DUE TO; ORNITHINE TRANSCARBAMYLASE DEFICIENCY; OTC DEFICIENCY; Ornithine Carbamoyltransferase Deficiency Disease. Identifiers: Orphanet 664, MedGen C0268542, MONDO:0010703, OMIM 311250.

Submissions (2):

Natera, Inc.
Classification: Likely pathogenic for Ornithine transcarbamylase deficiency. Last evaluated: 2024-09-05. Review status: criteria provided, single submitter. Criteria: Natera Variant Classification Schema (03/2026). Collection method: clinical testing. Allele origin: germline.
Comment: The c.563G>T variant in OTC is a missense variant predicted to cause substitution of glycine to valine at amino acid 188. This variant is rare in the general population with a frequency below the threshold expected for the associated phenotype(s). This variant has been observed in affected individual(s) with monoallelic occurrence (heterozygous/hemizygous) (PMID: 10502831, 34014569, 33309754). A different variant at the same position has been determined to be Pathogenic or Likely Pathogenic. Computational prediction algorithms indicate this variant is likely to affect gene or protein function. Given the available evidence, this variant is classified as Likely Pathogenic.

GenMed Metabolism Lab
Classification: Pathogenic. Review status: no assertion criteria provided. Collection method: not provided. Allele origin: unknown. Not counted in ClinVar's aggregate classification.
ClinVar note: Converted during submission from pathogenic to Pathogenic.

Literature cited by the submitters: PubMed 10502831 (cited by Natera, Inc.); PubMed 34014569 (cited by Natera, Inc.); PubMed 33309754 (cited by Natera, Inc.).